The following is an entry in ClinVar:

NM_024844.5(NUP85):c.475+6C>T

Gene: NUP85 (nucleoporin 85; plus strand). Cytogenetic location: 17q25.1.
Variant type: single nucleotide variant.
Coding change: c.475+6C>T on transcript NM_024844.5 (MANE Select); 6 bases into the intron after coding-DNA position 475, C replaced by T.
Molecular consequence: intron variant.
Genome position (GRCh38, 1-based): chr17:75,215,829, C>T. VCF-style: chr17-75215829-C-T. GRCh37 (hg19) VCF-style: chr17-73211924-C-T.
Other names: c.475+6C>T (NM_001330472.2); c.337+6C>T (NM_001303276.2).
Identifiers: ClinVar variation 1945337 (VCV001945337.5), dbSNP rs1479666827, ClinGen allele CA627389155.
Genomic context (GRCh38, chr17:75,215,829, plus strand): 5'-GCAATGGAGCTCATCTGGAACCTGTGTGAGATTCTTTTTATTGAAGTGGCCCCAGGTAGG[C>T]ATGGAATATCTCACCATAATCTCATAGGTGTCCCCTTCCATCTTCTGCTCTTTCCTCATC-3'

ClinVar aggregate classification (germline): Uncertain significance (1 of 4 stars; one submission).

Allele frequency attached by ClinVar (database versions not stated): gnomAD 0.00001; TOPMed 0.00002.

Submission:

Labcorp Genetics (formerly Invitae), Labcorp
Classification: Uncertain significance. Last evaluated: 2025-06-12. Review status: criteria provided, single submitter. Criteria: Invitae Variant Classification Sherloc (09022015). Collection method: clinical testing. Allele origin: germline.
Comment: This sequence change falls in intron 6 of the NUP85 gene. It does not directly change the encoded amino acid sequence of the NUP85 protein. It affects a nucleotide within the consensus splice site. This variant is present in population databases (no rsID available, gnomAD 0.01%). This variant has not been reported in the literature in individuals affected with NUP85-related conditions. ClinVar contains an entry for this variant (Variation ID: 1945337). Variants that disrupt the consensus splice site are a relatively common cause of aberrant splicing (PMID: 17576681, 9536098). Algorithms developed to predict the effect of sequence changes on RNA splicing suggest that this variant is not likely to affect RNA splicing. In summary, the available evidence is currently insufficient to determine the role of this variant in disease. Therefore, it has been classified as a Variant of Uncertain Significance.

Literature cited by the submitters: PubMed 17576681; PubMed 9536098.